The following is an entry in ClinVar:

ClinVar aggregate classification (germline): Uncertain significance (1 of 4 stars; one submission).

Conditions:
Cardiovascular phenotype. Identifiers: MedGen CN230736.

Submission:

Ambry Genetics
Classification: Uncertain significance for Cardiovascular phenotype. Last evaluated: 2021-07-22. Review status: criteria provided, single submitter. Criteria: Ambry Variant Classification Scheme 2023. Collection method: clinical testing. Allele origin: germline.
Comment: The p.E2745D variant (also known as c.8235G>T), located in coding exon 33 of the AKAP9 gene, results from a G to T substitution at nucleotide position 8235. The glutamic acid at codon 2745 is replaced by aspartic acid, an amino acid with highly similar properties. This amino acid position is conserved. In addition, this alteration is predicted to be tolerated by in silico analysis. Since supporting evidence is limited at this time, the clinical significance of this alteration remains unclear.

NM_005751.5(AKAP9):c.8235G>T (p.Glu2745Asp)

Gene: AKAP9 (A-kinase anchoring protein 9; plus strand). Cytogenetic location: 7q21.2.
Variant type: single nucleotide variant.
Coding change: c.8235G>T on transcript NM_005751.5 (MANE Select); coding-DNA position 8235, G replaced by T.
Protein change: p.Glu2745Asp; replaces glutamic acid 2745 with aspartic acid.
Molecular consequence: missense variant.
Genome position (GRCh38, 1-based): chr7:92,083,244, G>T. VCF-style: chr7-92083244-G-T. GRCh37 (hg19) VCF-style: chr7-91712558-G-T.
Other names: c.2880G>T, p.Glu960Asp (NM_001379277.1); c.8211G>T, p.Glu2737Asp (NM_147185.3); short protein forms E2737D, E2745D, E960D.
Identifiers: ClinVar variation 1762567 (VCV001762567.2), dbSNP rs2535257833, ClinGen allele CA368138259.